The following is an entry in ClinVar:

NM_017999.5(RNF31):c.2048G>A (p.Arg683Lys)

Gene: RNF31 (ring finger protein 31; plus strand). Cytogenetic location: 14q12.
Variant type: single nucleotide variant.
Coding change: c.2048G>A on transcript NM_017999.5 (MANE Select); coding-DNA position 2048, G replaced by A.
Protein change: p.Arg683Lys; replaces arginine 683 with lysine.
Molecular consequence: missense variant.
Genome position (GRCh38, 1-based): chr14:24,151,910, G>A. VCF-style: chr14-24151910-G-A. GRCh37 (hg19) VCF-style: chr14-24621119-G-A.
Other names: c.1595G>A, p.Arg532Lys (NM_001310332.2); short protein forms R532K, R683K.
Identifiers: ClinVar variation 2618033 (VCV002618033.5), dbSNP rs2502005673, ClinGen allele CA389299113.
Genomic context (GRCh38, chr14:24,151,910, plus strand): 5'-TGTCACTGCTGCAGGAGACACCCAGGAACTATGAGTTGGGGGATGTGGTAGAAGCTGTGA[G>A]GCACAGCCAGGACCGGGCCTTCCTGCGCCGCTTGCTTGCCCAGGAGTGTGCCGTGTGTGG-3'
Protein context (NP_060469.4, residues 673-693): YELGDVVEAV[Arg683Lys]HSQDRAFLRR

ClinVar aggregate classification (germline): Uncertain significance. Review status: criteria provided, multiple submitters, no conflicts (2 of 4 stars). 2 submissions from 2 submitters: Uncertain significance (2). Last evaluated 2025-05-05.

Submissions (2):

Labcorp Genetics (formerly Invitae), Labcorp
Classification: Uncertain significance. Last evaluated: 2025-05-05. Review status: criteria provided, single submitter. Criteria: Invitae Variant Classification Sherloc (09022015). Collection method: clinical testing. Allele origin: germline.
Comment: This sequence change replaces arginine, which is basic and polar, with lysine, which is basic and polar, at codon 683 of the RNF31 protein (p.Arg683Lys). This variant is not present in population databases (gnomAD no frequency). This variant has not been reported in the literature in individuals affected with RNF31-related conditions. ClinVar contains an entry for this variant (Variation ID: 2618033). An algorithm developed to predict the effect of missense changes on protein structure and function outputs the following: PolyPhen-2: "Benign". The lysine amino acid residue is found in multiple mammalian species, which suggests that this missense change does not adversely affect protein function. In summary, the available evidence is currently insufficient to determine the role of this variant in disease. Therefore, it has been classified as a Variant of Uncertain Significance.

Ambry Genetics
Classification: Uncertain significance. Last evaluated: 2023-08-14. Review status: criteria provided, single submitter. Criteria: Ambry Variant Classification Scheme 2023. Collection method: clinical testing. Allele origin: germline.